The following is an entry in ClinVar:

NM_030662.4(MAP2K2):c.1026C>A (p.Phe342Leu)

Gene: MAP2K2 (mitogen-activated protein kinase kinase 2; minus strand). Cytogenetic location: 19p13.3.
Variant type: single nucleotide variant.
Coding change: c.1026C>A on transcript NM_030662.4 (MANE Select); coding-DNA position 1026, C replaced by A.
Protein change: p.Phe342Leu; replaces phenylalanine 342 with leucine.
Molecular consequence: missense variant.
Genome position (GRCh38, 1-based): chr19:4,095,408, G>T on the plus strand (C>A on the coding strand, the complement: MAP2K2 is on the minus strand). VCF-style: chr19-4095408-G-T. GRCh37 (hg19) VCF-style: chr19-4095406-G-T.
Other names: short protein forms F342L.
Identifiers: ClinVar variation 1718457 (VCV001718457.5), dbSNP rs1302760224, ClinGen allele CA403383281.

ClinVar aggregate classification (germline): Uncertain significance (1 of 4 stars; one submission).

Conditions:
RASopathy. Also called: rasopathies; Noonan spectrum disorder. Identifiers: Orphanet 536391, MedGen C5555857, MONDO:0021060.

Submission:

Labcorp Genetics (formerly Invitae), Labcorp
Classification: Uncertain significance for RASopathy. Last evaluated: 2022-08-31. Review status: criteria provided, single submitter. Criteria: Invitae Variant Classification Sherloc (09022015). Collection method: clinical testing. Allele origin: germline.
Comment: In summary, the available evidence is currently insufficient to determine the role of this variant in disease. Therefore, it has been classified as a Variant of Uncertain Significance. Algorithms developed to predict the effect of missense changes on protein structure and function (SIFT, PolyPhen-2, Align-GVGD) all suggest that this variant is likely to be tolerated. This variant has not been reported in the literature in individuals affected with MAP2K2-related conditions. This variant is not present in population databases (gnomAD no frequency). This sequence change replaces phenylalanine, which is neutral and non-polar, with leucine, which is neutral and non-polar, at codon 342 of the MAP2K2 protein (p.Phe342Leu).